The following is an entry in ClinVar:

NM_001206927.2(DNAH8):c.11560A>C (p.Lys3854Gln)

Genes: DNAH8 (dynein axonemal heavy chain 8; plus strand), DNAH8-AS1 (DNAH8 antisense RNA 1; minus strand). Cytogenetic location: 6p21.2.
Variant type: single nucleotide variant.
Coding change: c.11560A>C on transcript NM_001206927.2 (MANE Select); coding-DNA position 11560, A replaced by C.
Protein change: p.Lys3854Gln; replaces lysine 3854 with glutamine.
Molecular consequence: missense variant.
Genome position (GRCh38, 1-based): chr6:38,935,694, A>C. VCF-style: chr6-38935694-A-C. GRCh37 (hg19) VCF-style: chr6-38903470-A-C.
Other names: c.10909A>C, p.Lys3637Gln (NM_001371.4); short protein forms K3637Q, K3854Q.
Identifiers: ClinVar variation 4869975 (VCV004869975.1).
Genomic context (GRCh38, chr6:38,935,694, plus strand): 5'-TTTAATAAGCGGAAGATGAAAGAACTTGAAGATAACCTCCTCTATAAATTAAGTGCTACA[A>C]AAGGTATTGTGTTATTAAGAAGTAATGAAATAACGGATTCTGAATAAGGATTTCATTTAC-3'
Protein context (NP_001193856.1, residues 3844-3864): DNLLYKLSAT[Lys3854Gln]GSLVDDESLI

ClinVar aggregate classification (germline): Uncertain significance (1 of 4 stars; one submission).

gnomAD v4.1: 1 of 1,597,932 alleles (0.000063%); highest among the groups gnomAD compares: Non-Finnish European, 0.000086%; no homozygotes.

Submission:

Ambry Genetics
Classification: Uncertain significance. Last evaluated: 2026-04-28. Review status: criteria provided, single submitter. Criteria: Ambry Variant Classification Scheme 2023. Collection method: clinical testing. Allele origin: germline.
Comment: The c.11560A>C (p.K3854Q) alteration is located in exon 77 (coding exon 76) of the DNAH8 gene. This alteration results from a A to C substitution at nucleotide position 11560, causing the lysine (K) at amino acid position 3854 to be replaced by a glutamine (Q). Based on data from gnomAD, the C allele has an overall frequency of <0.001% (1/245634) total alleles studied. The highest observed frequency was 0.001% (1/112240) of European (non-Finnish) alleles. Based on insufficient or conflicting evidence, the clinical significance of this alteration remains unclear.